The following is an entry in ClinVar:

ClinVar aggregate classification (germline): Pathogenic (1 of 4 stars; one submission).

Conditions:
Hereditary diffuse gastric adenocarcinoma (HDGC). Also called: DIFFUSE GASTRIC AND LOBULAR BREAST CANCER SYNDROME. Identifiers: Orphanet 26106, MedGen C1708349, MONDO:0007648, OMIM 137215.

Submission:

Myriad Genetics, Inc.
Classification: Pathogenic for Hereditary diffuse gastric adenocarcinoma. Last evaluated: 2023-06-15. Review status: criteria provided, single submitter. Criteria: Myriad Autosomal Dominant, Autosomal Recessive and X-Linked Classification Criteria (2023). Collection method: clinical testing. Allele origin: unknown.
Comment: This variant is considered pathogenic. This variant creates a termination codon and is predicted to result in premature protein truncation.

NM_004360.5(CDH1):c.2049_2056del (p.Val683_Ser684insTer)

Gene: CDH1 (cadherin 1; plus strand). Cytogenetic location: 16q22.1.
Variant type: Deletion.
Coding change: c.2049_2056del on transcript NM_004360.5 (MANE Select); coding-DNA positions 2049 to 2056, 8 bases deleted (CAGCGTGT; older notation c.2049_2056delCAGCGTGT).
Protein change: p.Val683_Ser684insTer.
Molecular consequence: frameshift variant.
Genome position (GRCh38, 1-based): chr16:68,823,511-68,823,518, CAGCGTGT deleted; deleting any 8 consecutive bases within chr16:68,823,509-68,823,518 gives the same sequence; the c. name uses the placement nearest the transcript's 3' end. VCF-style (leftmost placement, unchanged base first): chr16-68823508-GGTCAGCGT-G. GRCh37 (hg19) VCF-style: chr16-68857411-GGTCAGCGT-G.
Other names: c.1866_1873del, p.Val622_Ser623insTer (NM_001317184.2); c.501_508del, p.Val167_Ser168insTer (NM_001317185.2); c.84_91del, p.Val28_Ser29insTer (NM_001317186.2).
Identifiers: ClinVar variation 2583281 (VCV002583281.2), dbSNP rs2543945714, ClinGen allele CA2582342535.